The following is an entry in ClinVar:

ClinVar aggregate classification (germline): Uncertain significance (1 of 4 stars; one submission).

Conditions:
POLD1-related polyposis and colorectal cancer syndrome (CRCS10). Also called: COLORECTAL CANCER, SUSCEPTIBILITY TO, ON CHROMOSOME 19q; Colorectal cancer 10; Colorectal cancer, susceptibility to, 10. Identifiers: Orphanet 220460, MedGen C2675481, MONDO:0012953, OMIM 612591.

Submission:

Labcorp Genetics (formerly Invitae), Labcorp
Classification: Uncertain significance for POLD1-related polyposis and colorectal cancer syndrome. Last evaluated: 2025-12-13. Review status: criteria provided, single submitter. Criteria: Invitae Variant Classification Sherloc (09022015). Collection method: clinical testing. Allele origin: germline.
Comment: This sequence change falls in intron 20 of the POLD1 gene. It does not directly change the encoded amino acid sequence of the POLD1 protein. It affects a nucleotide within the consensus splice site. This variant is not present in population databases (gnomAD no frequency). This variant has not been reported in the literature in individuals affected with POLD1-related conditions. ClinVar contains an entry for this variant (Variation ID: 239301). Variants that disrupt the consensus splice site are a relatively common cause of aberrant splicing (PMID: 17576681, 9536098). Algorithms developed to predict the effect of sequence changes on RNA splicing suggest that this variant may disrupt the consensus splice site. In summary, the available evidence is currently insufficient to determine the role of this variant in disease. Therefore, it has been classified as a Variant of Uncertain Significance.

Literature cited by the submitters: PubMed 17576681; PubMed 9536098.

NM_002691.4(POLD1):c.2564+5G>A

Gene: POLD1 (DNA polymerase delta 1, catalytic subunit; plus strand). Cytogenetic location: 19q13.33.
Variant type: single nucleotide variant.
Coding change: c.2564+5G>A on transcript NM_002691.4 (MANE Select); 5 bases into the intron after coding-DNA position 2564, G replaced by A.
Molecular consequence: intron variant.
Genome position (GRCh38, 1-based): chr19:50,414,995, G>A. VCF-style: chr19-50414995-G-A. GRCh37 (hg19) VCF-style: chr19-50918252-G-A.
Other names: c.2564+5G>A (LRG_785t1, NM_001256849.1); c.2642+5G>A (LRG_785t2, NM_001308632.1).
Identifiers: ClinVar variation 239301 (VCV000239301.7), dbSNP rs878854540, ClinGen allele CA10583846.
Genomic context (GRCh38, chr19:50,414,995, plus strand): 5'-TGCCCCCTCGTGGCCAACCTGGTCACTGCCTCACTGCGCCGCCTGCTCATCGACCGGTGT[G>A]TGGGGCCTCCTCCCTCAGACTCAGGGGGCTGGGCCCCAAACCCCTCCTCCCTCAGACCCA-3'